The following is an entry in ClinVar:

ClinVar aggregate classification (germline): Uncertain significance (1 of 4 stars; one submission).

Conditions:
KIDINS220-related disorder. Also called: KIDINS220-related condition.

gnomAD v4.1: 28 of 1,614,020 alleles (0.0017%); highest among the groups gnomAD compares: Middle Eastern, 0.099%; no homozygotes.

Submission:

PreventionGenetics, part of Exact Sciences
Classification: Uncertain significance for KIDINS220-related condition. Last evaluated: 2024-12-17. Review status: criteria provided, single submitter. Criteria: ACMG Guidelines, 2015. Collection method: clinical testing. Allele origin: germline.
Comment: The KIDINS220 c.3914C>T variant is predicted to result in the amino acid substitution p.Ala1305Val. To our knowledge, this variant has not been reported in the literature. This variant is reported in 0.0028% of alleles in individuals of Latino descent in gnomAD. At this time, the clinical significance of this variant is uncertain due to the absence of conclusive functional and genetic evidence.

NM_020738.4(KIDINS220):c.3914C>T (p.Ala1305Val)

Gene: KIDINS220 (kinase D interacting substrate 220; minus strand). Cytogenetic location: 2p25.1.
Variant type: single nucleotide variant.
Coding change: c.3914C>T on transcript NM_020738.4 (MANE Select); coding-DNA position 3914, C replaced by T.
Protein change: p.Ala1305Val; replaces alanine 1305 with valine.
Molecular consequence: missense variant. On other transcripts: non-coding transcript variant (2).
Genome position (GRCh38, 1-based): chr2:8,733,583, G>A on the plus strand (C>T on the coding strand, the complement: KIDINS220 is on the minus strand). VCF-style: chr2-8733583-G-A. GRCh37 (hg19) VCF-style: chr2-8873713-G-A.
Other names: c.3917C>T, p.Ala1306Val (NM_001348729.2); c.3860C>T, p.Ala1287Val (NM_001348731.2); c.3857C>T, p.Ala1286Val (NM_001348732.2, NM_001348738.2); c.3746C>T, p.Ala1249Val (NM_001348734.2, NM_001348739.2, NM_001348740.2); c.3743C>T, p.Ala1248Val (NM_001348735.2, NM_001348741.2, NM_001348742.2 and 1 more transcripts); c.3617C>T, p.Ala1206Val (NM_001348736.2); short protein forms A1206V, A1286V, A1306V, A1287V, A1305V, A1248V, A1249V.
Identifiers: ClinVar variation 4988590 (VCV004988590.1).